The following is an entry in ClinVar:

NM_003321.5(TUFM):c.181G>C (p.Val61Leu)

Gene: TUFM (Tu translation elongation factor, mitochondrial; minus strand). Cytogenetic location: 16p11.2.
Variant type: single nucleotide variant.
Coding change: c.181G>C on transcript NM_003321.5 (MANE Select); coding-DNA position 181, G replaced by C.
Protein change: p.Val61Leu; replaces valine 61 with leucine.
Molecular consequence: missense variant.
Genome position (GRCh38, 1-based): chr16:28,845,978, C>G on the plus strand (G>C on the coding strand, the complement: TUFM is on the minus strand). VCF-style: chr16-28845978-C-G. GRCh37 (hg19) VCF-style: chr16-28857299-C-G.
Other names: c.181G>C, p.Val61Leu (NM_001365360.2); short protein forms V61L.
Identifiers: ClinVar variation 2103890 (VCV002103890.4), dbSNP rs766930611, ClinGen allele CA395418920.
Genomic context (GRCh38, chr16:28,845,978, plus strand): 5'-TGATGGCTGCAGTCAGCGTGGTCTTCCCGTGGTCCACATGGCCGATGGTACCCACATTCA[C>G]ATGTGGCTTGTCGCGCACGTAAGTCTTCTTGGCCTCCACGGCCAGGCCGCGGCACAAGAG-3'
Protein context (NP_003312.3, residues 51-71): KKTYVRDKPH[Val61Leu]NVGTIGHVDH

ClinVar aggregate classification (germline): Uncertain significance (1 of 4 stars; one submission).

Submission:

Labcorp Genetics (formerly Invitae), Labcorp
Classification: Uncertain significance. Last evaluated: 2022-08-22. Review status: criteria provided, single submitter. Criteria: Invitae Variant Classification Sherloc (09022015). Collection method: clinical testing. Allele origin: germline.
Comment: In summary, the available evidence is currently insufficient to determine the role of this variant in disease. Therefore, it has been classified as a Variant of Uncertain Significance. Algorithms developed to predict the effect of missense changes on protein structure and function (SIFT, PolyPhen-2, Align-GVGD) all suggest that this variant is likely to be tolerated. This variant has not been reported in the literature in individuals affected with TUFM-related conditions. This variant is not present in population databases (gnomAD no frequency). This sequence change replaces valine, which is neutral and non-polar, with leucine, which is neutral and non-polar, at codon 61 of the TUFM protein (p.Val61Leu).